The following is an entry in ClinVar:

NM_001365951.3(KIF1B):c.3516T>G (p.Ile1172Met)

Gene: KIF1B (kinesin family member 1B; plus strand). Cytogenetic location: 1p36.22.
Variant type: single nucleotide variant.
Coding change: c.3516T>G on transcript NM_001365951.3 (MANE Select); coding-DNA position 3516, T replaced by G.
Protein change: p.Ile1172Met; replaces isoleucine 1172 with methionine.
Molecular consequence: missense variant.
Genome position (GRCh38, 1-based): chr1:10,342,052, T>G. VCF-style: chr1-10342052-T-G. GRCh37 (hg19) VCF-style: chr1-10402110-T-G.
Other names: c.3516T>G, p.Ile1172Met (NM_001365952.1); c.3378T>G, p.Ile1126Met (NM_015074.3); short protein forms I1126M, I1172M.
Identifiers: ClinVar variation 2448786 (VCV002448786.5), dbSNP rs768884894, ClinGen allele CA581809.

ClinVar aggregate classification (germline): Conflicting classifications of pathogenicity. Review status: criteria provided, conflicting classifications (1 of 4 stars). 2 submissions from 2 submitters: Uncertain significance (1); Likely benign (1). Last evaluated 2023-02-23.

Conditions:
Charcot-Marie-Tooth disease type 2. Also called: Charcot-Marie-Tooth type 2. Identifiers: Orphanet 64746, MedGen C0270914, MONDO:0018993.

Allele frequency attached by ClinVar (database versions not stated): TOPMed 0.00001; ExAC 0.00001; gnomAD exomes below 0.00001.

Submissions (2):

Ambry Genetics
Classification: Likely benign. Last evaluated: 2023-02-23. Review status: criteria provided, single submitter. Criteria: Ambry Variant Classification Scheme 2023. Collection method: clinical testing. Allele origin: germline.

Labcorp Genetics (formerly Invitae), Labcorp
Classification: Uncertain significance for Charcot-Marie-Tooth disease type 2. Last evaluated: 2022-11-19. Review status: criteria provided, single submitter. Criteria: Invitae Variant Classification Sherloc (09022015). Collection method: clinical testing. Allele origin: germline.
Comment: This variant has not been reported in the literature in individuals affected with KIF1B-related conditions. Algorithms developed to predict the effect of missense changes on protein structure and function are either unavailable or do not agree on the potential impact of this missense change (SIFT: "Tolerated"; PolyPhen-2: "Possibly Damaging"; Align-GVGD: "Class C0"). In summary, the available evidence is currently insufficient to determine the role of this variant in disease. Therefore, it has been classified as a Variant of Uncertain Significance. This variant is present in population databases (rs768884894, gnomAD 0.02%). This sequence change replaces isoleucine, which is neutral and non-polar, with methionine, which is neutral and non-polar, at codon 1126 of the KIF1B protein (p.Ile1126Met).